The following is an entry in ClinVar:

ClinVar aggregate classification (germline): Pathogenic. Review status: reviewed by expert panel (3 of 4 stars). 4 submissions from 4 submitters: Pathogenic (1). 3 of the submissions do not count toward it. Last evaluated 2020-10-16.

Conditions:
Phenylketonuria (PKU). Also called: Phenylketonuria (PKU); FOLLING DISEASE; OLIGOPHRENIA PHENYLPYRUVICA; Phenylketonurias. Identifiers: Orphanet 716, MedGen C0031485, MONDO:0009861, OMIM 261600. Disease mechanism: loss of function.

Submissions (4):

ClinGen PAH Variant Curation Expert Panel
Classification: Pathogenic for Phenylketonuria. Last evaluated: 2020-10-16. Review status: reviewed by expert panel. Criteria: ClinGen PAH ACMG Specifications v1. Collection method: curation. Allele origin: germline. Inheritance: Autosomal recessive inheritance.
Comment: This c.1162G>C (p.Val388Leu) variant in PAH was reported in 3 patients with PAH deficiency (PMID: 27121329, 31623983) detected with the likely pathogenic variant p.Pro281Leu and the pathogenic variant p.Arg252Trp. DHPR activity, biopterin and/or pteridine analysis was performed to rule out other causes of hyperphenylalaninemia (PMID: 27121329). This variant is a novel missense change at an amino acid residue where a different missense change p.Val388Met determined to be pathogenic has been seen before. This variant is present in Dominican populations at a minor allele frequency of 0.00052 (PAGE study). In summary, this variant meets criteria to be classified as pathogenic for PAH. PAH-specific ACMG/AMP criteria applied: PM3_strong, PM2, PM5, PP4_moderate.

Myriad Genetics, Inc.
Classification: Uncertain significance for Phenylketonuria. Last evaluated: 2025-11-20. Review status: criteria provided, single submitter. Criteria: Myriad Autosomal Dominant, Autosomal Recessive and X-Linked Classification Criteria (2023). Collection method: clinical testing. Allele origin: unknown. Not counted in ClinVar's aggregate classification.
Comment: NM_000277.1(PAH):c.1162G>C(V388L) is a missense variant classified as a variant of uncertain significance in the context of phenylalanine hydroxylase deficiency. V388L has been observed in cases with relevant disease (PMID: 31623983, 9452061, 27121329, 7741023). Relevant functional assessments of this variant are not available in the literature. V388L has not been observed in referenced population frequency databases. In summary, there is insufficient evidence to classify NM_000277.1(PAH):c.1162G>C(V388L) as pathogenic or benign. Please note: this variant was assessed in the context of healthy population screening.

GeneDx
Classification: Likely pathogenic. Last evaluated: 2016-03-17. Review status: criteria provided, single submitter. Criteria: GeneDx Variant Classification (06012015). Collection method: clinical testing. Allele origin: germline. Affected: yes. Not counted in ClinVar's aggregate classification.
Comment: The V388L variant was not observed in approximately 6500 individuals of European and African American ancestry in the NHLBI Exome Sequencing Project, indicating it is not a common benign variant in these populations. This substitution occurs at a position that is conserved across species, and a missense variant at the same position (V388M) has been reported in the Human Gene Mutation Database in association with PKU (Stenson et al., 2014), supporting the functional importance of this region of the protein. In summary, the V388L variant is likely pathogenic; however, the possibility that it is benign cannot be excluded.

DeBelle Laboratory for Biochemical Genetics, MUHC/MCH RESEARCH INSTITUTE
No classification provided. Review status: no classification provided. Collection method: not provided. Allele origin: not provided. Not counted in ClinVar's aggregate classification.

Literature cited by the submitters: PubMed 31623983 (cited by ClinGen PAH Variant Curation Expert Panel and Myriad Genetics, Inc.); PubMed 27121329 (cited by ClinGen PAH Variant Curation Expert Panel and Myriad Genetics, Inc.); PubMed 9452061 (cited by ClinGen PAH Variant Curation Expert Panel and Myriad Genetics, Inc.); PubMed 7741023 (cited by Myriad Genetics, Inc.).

NM_000277.3(PAH):c.1162G>C (p.Val388Leu)

Gene: PAH (phenylalanine hydroxylase; minus strand). Cytogenetic location: 12q23.2.
Variant type: single nucleotide variant.
Coding change: c.1162G>C on transcript NM_000277.3 (MANE Select); coding-DNA position 1162, G replaced by C.
Protein change: p.Val388Leu; replaces valine 388 with leucine.
Molecular consequence: missense variant.
Genome position (GRCh38, 1-based): chr12:102,843,683, C>G on the plus strand (G>C on the coding strand, the complement: PAH is on the minus strand). VCF-style: chr12-102843683-C-G. GRCh37 (hg19) VCF-style: chr12-103237461-C-G.
Other names: c.1162G>C, p.Val388Leu (NM_001354304.2); short protein forms V388L.
Identifiers: ClinVar variation 102541 (VCV000102541.4), dbSNP rs62516101, ClinGen allele CA229366.